The following is an entry in ClinVar:

NM_006363.6(SEC23B):c.1589G>A (p.Arg530Gln)

Gene: SEC23B (SEC23 homolog B, COPII component; plus strand). Cytogenetic location: 20p11.23.
Variant type: single nucleotide variant.
Coding change: c.1589G>A on transcript NM_006363.6 (MANE Select); coding-DNA position 1589, G replaced by A.
Protein change: p.Arg530Gln; replaces arginine 530 with glutamine.
Molecular consequence: missense variant.
Genome position (GRCh38, 1-based): chr20:18,543,096, G>A. VCF-style: chr20-18543096-G-A. GRCh37 (hg19) VCF-style: chr20-18523740-G-A.
Other names: c.1589G>A, p.Arg530Gln (NM_001172745.3, NM_032985.6, NM_032986.5); c.1535G>A, p.Arg512Gln (NM_001172746.3); short protein forms R512Q, R530Q.
Identifiers: ClinVar variation 2925650 (VCV002925650.4), dbSNP rs368545054, ClinGen allele CA9778414.

ClinVar aggregate classification (germline): Likely pathogenic. Review status: criteria provided, multiple submitters, no conflicts (2 of 4 stars). 2 submissions from 2 submitters: Likely pathogenic (2). Last evaluated 2026-02-11.

Conditions:
Cowden syndrome 7 (CWS7). Identifiers: Orphanet 201, MedGen C4225179, MONDO:0014802, OMIM 616858.
Congenital dyserythropoietic anemia, type II (CDAN2). Also called: DYSERYTHROPOIETIC ANEMIA, HEMPAS TYPE. Identifiers: Orphanet 98873, MedGen C1306589, MONDO:0009134, OMIM 224100.

Allele frequency attached by ClinVar (database versions not stated): TOPMed below 0.00001; ExAC 0.00001; ESP Exome Variant Server 0.00008.
gnomAD v4.1: 11 of 1,614,152 alleles (0.00068%); highest among the groups gnomAD compares: South Asian, 0.0011%; no homozygotes.

Submissions (2):

Women's Health and Genetics/Laboratory Corporation of America, LabCorp
Classification: Likely pathogenic for Congenital dyserythropoietic anemia, type II. Last evaluated: 2026-02-11. Review status: criteria provided, single submitter. Criteria: LabCorp Variant Classification Summary - May 2015. Collection method: clinical testing. Allele origin: germline.
Comment: Variant summary: SEC23B c.1589G>A (p.Arg530Gln) results in a conservative amino acid change in the encoded protein sequence. Algorithms developed to predict the effect of missense changes on protein structure and function are either unavailable or do not agree on the potential impact of this missense change. The variant allele was found at a frequency of 1.6e-05 in 251462 control chromosomes (gnomAD). c.1589G>A has been observed in individuals affected with Congenital dyserythropoietic anemia, type II (Iolascon_2010, Punzo_2011). These data indicate that the variant may be associated with disease. A different variant affecting the same codon has been classified as likely pathogenic by our lab (c.1588C>T, p.Arg530Trp), supporting the critical relevance of codon 530 to SEC23B protein function. To our knowledge, no experimental evidence demonstrating an impact on protein function has been reported. The following publications have been ascertained in the context of this evaluation (PMID: 20015893, 22208203). ClinVar contains an entry for this variant (Variation ID: 2925650). Based on the evidence outlined above, the variant was classified as likely pathogenic.

Labcorp Genetics (formerly Invitae), Labcorp
Classification: Likely pathogenic for Congenital dyserythropoietic anemia, type II; Cowden syndrome 7. Last evaluated: 2023-11-09. Review status: criteria provided, single submitter. Criteria: Invitae Variant Classification Sherloc (09022015). Collection method: clinical testing. Allele origin: germline.
Comment: This sequence change replaces arginine, which is basic and polar, with glutamine, which is neutral and polar, at codon 530 of the SEC23B protein (p.Arg530Gln). This variant is present in population databases (rs368545054, gnomAD 0.006%). This missense change has been observed in individuals with dyserythropoietic anemia type 2 (PMID: 20015893, 22208203). Advanced modeling of protein sequence and biophysical properties (such as structural, functional, and spatial information, amino acid conservation, physicochemical variation, residue mobility, and thermodynamic stability) performed at Invitae indicates that this missense variant is expected to disrupt SEC23B protein function with a positive predictive value of 80%. This variant disrupts the p.Arg530 amino acid residue in SEC23B. Other variant(s) that disrupt this residue have been determined to be pathogenic (PMID: 19561605, 24724984). This suggests that this residue is clinically significant, and that variants that disrupt this residue are likely to be disease-causing. In summary, the currently available evidence indicates that the variant is pathogenic, but additional data are needed to prove that conclusively. Therefore, this variant has been classified as Likely Pathogenic.

Literature cited by the submitters: PubMed 20015893 (cited by Women's Health and Genetics/Laboratory Corporation of America, LabCorp and Labcorp Genetics (formerly Invitae), Labcorp); PubMed 22208203 (cited by Women's Health and Genetics/Laboratory Corporation of America, LabCorp and Labcorp Genetics (formerly Invitae), Labcorp); PubMed 19561605 (cited by Labcorp Genetics (formerly Invitae), Labcorp); PubMed 24724984 (cited by Labcorp Genetics (formerly Invitae), Labcorp).